The following is an entry in ClinVar:

NM_032888.4(COL27A1):c.2815del (p.Arg939fs)

Gene: COL27A1 (collagen type XXVII alpha 1 chain; plus strand). Cytogenetic location: 9q32.
Variant type: Deletion.
Coding change: c.2815del on transcript NM_032888.4 (MANE Select); coding-DNA position 2815, one base deleted (C; older notation c.2815delC).
Protein change: p.Arg939fs; shifts the reading frame from arginine 939.
Molecular consequence: frameshift variant.
Genome position (GRCh38, 1-based): chr9:114,240,467, C deleted; the last of 4 consecutive C bases (chr9:114,240,464-114,240,467); deleting any one gives the same sequence. VCF-style (leftmost placement, unchanged base first): chr9-114240463-AC-A. GRCh37 (hg19) VCF-style: chr9-117002743-AC-A.
Other names: short protein forms R939fs.
Identifiers: ClinVar variation 4799046 (VCV004799046.1).

ClinVar aggregate classification (germline): Pathogenic (1 of 4 stars; one submission).

Submission:

Labcorp Genetics (formerly Invitae), Labcorp
Classification: Pathogenic. Last evaluated: 2025-05-09. Review status: criteria provided, single submitter. Criteria: Invitae Variant Classification Sherloc (09022015). Collection method: clinical testing. Allele origin: germline.
Comment: This sequence change creates a premature translational stop signal (p.Arg939Valfs*39) in the COL27A1 gene. It is expected to result in an absent or disrupted protein product. Loss-of-function variants in COL27A1 are known to be pathogenic (PMID: 24986830, 28276056). This variant is not present in population databases (gnomAD no frequency). This variant has not been reported in the literature in individuals affected with COL27A1-related conditions. For these reasons, this variant has been classified as Pathogenic.

Literature cited by the submitters: PubMed 24986830; PubMed 28276056.